The following is an entry in ClinVar:

ClinVar aggregate classification (germline): Likely pathogenic. Review status: criteria provided, multiple submitters, no conflicts (2 of 4 stars). 4 submissions from 4 submitters: Likely pathogenic (3). 1 of the submissions does not count toward it. Last evaluated 2025-12-16.

Conditions:
Plasma factor XI deficiency.
Hereditary factor XI deficiency disease. Also called: Congenital factor XI deficiency; PLASMA THROMBOPLASTIN ANTECEDENT DEFICIENCY; PTA DEFICIENCY; ROSENTHAL SYNDROME. Identifiers: Orphanet 329, MedGen C0015523, MeSH D005173, MONDO:0012897, OMIM 612416.

Submissions (4):

Natera, Inc.
Classification: Likely pathogenic for Plasma factor XI deficiency. Last evaluated: 2025-12-16. Review status: criteria provided, single submitter. Criteria: Natera Variant Classification Schema (03/2026). Collection method: clinical testing. Allele origin: germline.
Comment: The c.664G>T variant in F11 is a missense variant predicted to cause substitution of aspartic acid to tyrosine at amino acid 222. This variant is rare in the general population with a frequency below the threshold expected for the associated phenotype(s). This variant has been observed in one or more individuals affected with the associated recessive disease, as either homozygous or compound heterozygous with a second variant (PMID: 31064749, 32335422). This variant has been observed in affected individual(s) with monoallelic occurrence (heterozygous/hemizygous) (PMID: 22159456). This variant has been identified in one or more affected individuals with a phenotype highly consistent with the associated gene (PMID: 32335422, 22159456). Computational prediction algorithms indicate this variant is likely to affect gene or protein function. Given the available evidence, this variant is classified as Likely Pathogenic.

Fulgent Genetics
Classification: Likely pathogenic for Hereditary factor XI deficiency disease. Last evaluated: 2022-04-08. Review status: criteria provided, single submitter. Criteria: ACMG Guidelines, 2015. Collection method: clinical testing. Allele origin: unknown.

NIHR Bioresource Rare Diseases, University of Cambridge
Classification: Likely pathogenic for Hereditary factor XI deficiency disease. Last evaluated: 2019-02-01. Review status: criteria provided, single submitter. Criteria: ACMG Guidelines, 2015. Collection method: research. Allele origin: unknown. Affected: yes. Observed: 1 compound heterozygote. Study: ThromboGenomics.

UniProtKB/Swiss-Prot
No classification provided. Review status: no classification provided. Collection method: not provided. Allele origin: not provided. Not counted in ClinVar's aggregate classification.

Literature cited by the submitters: PubMed 31064749 (cited by Natera, Inc. and NIHR Bioresource Rare Diseases, University of Cambridge); PubMed 32335422 (cited by Natera, Inc.); PubMed 22159456 (cited by Natera, Inc.).

NM_000128.4(F11):c.664G>T (p.Asp222Tyr)

Gene: F11 (coagulation factor XI; plus strand). Cytogenetic location: 4q35.2.
Variant type: single nucleotide variant.
Coding change: c.664G>T on transcript NM_000128.4 (MANE Select); coding-DNA position 664, G replaced by T.
Protein change: p.Asp222Tyr; replaces aspartic acid 222 with tyrosine.
Molecular consequence: missense variant.
Genome position (GRCh38, 1-based): chr4:186,276,299, G>T. VCF-style: chr4-186276299-G-T. GRCh37 (hg19) VCF-style: chr4-187197453-G-T.
Other names: short protein forms D222Y.
Identifiers: ClinVar variation 68195 (VCV000068195.6), dbSNP rs281875245, ClinGen allele CA219144.